The following is an entry in ClinVar:

NM_005422.4(TECTA):c.80T>C (p.Leu27Pro)

Genes: TBCEL-TECTA (TBCEL-TECTA readthrough; plus strand), TECTA (tectorin alpha; plus strand). Cytogenetic location: 11q23.3.
Variant type: single nucleotide variant.
Coding change: c.80T>C on transcript NM_005422.4 (MANE Select); coding-DNA position 80, T replaced by C.
Protein change: p.Leu27Pro; replaces leucine 27 with proline.
Molecular consequence: missense variant.
Genome position (GRCh38, 1-based): chr11:121,105,846, T>C. VCF-style: chr11-121105846-T-C. GRCh37 (hg19) VCF-style: chr11-120976555-T-C.
Other names: c.1037T>C, p.Leu346Pro (NM_001378761.1); short protein forms L27P, L346P.
Identifiers: ClinVar variation 302989 (VCV000302989.7), dbSNP rs373248083, ClinGen allele CA6326420.

ClinVar aggregate classification (germline): Uncertain significance. Review status: criteria provided, multiple submitters, no conflicts (2 of 4 stars). 4 submissions from 3 submitters: Uncertain significance (4). Last evaluated 2026-04-24.

Conditions:
Autosomal recessive nonsyndromic hearing loss 21. Identifiers: Orphanet 90636, MedGen C1863655, MONDO:0011351, OMIM 603629.
Autosomal dominant nonsyndromic hearing loss 12. Also called: DEAFNESS, AUTOSOMAL DOMINANT 8. Identifiers: Orphanet 90635, MedGen C1832187, MONDO:0011102, OMIM 601543.

Allele frequency attached by ClinVar (database versions not stated): gnomAD exomes 0.00002 and 0.00006; gnomAD 0.00003 and 0.00004; TOPMed 0.00003; ESP Exome Variant Server 0.00008; ExAC 0.00003.
gnomAD v4.1: 33 of 1,614,006 alleles (0.002%); highest among the groups gnomAD compares: Admixed American, 0.0033%; no homozygotes.

Submissions (4):

GeneDx
Classification: Uncertain significance. Last evaluated: 2026-04-24. Review status: criteria provided, single submitter. Criteria: GeneDx Variant Classification Process June 2021. Collection method: clinical testing. Allele origin: germline.
Comment: In silico analysis suggests that this missense variant does not alter protein structure/function; Has not been previously published as pathogenic or benign to our knowledge

Illumina Laboratory Services, Illumina
Classification: Uncertain significance for Autosomal dominant nonsyndromic hearing loss 12. Last evaluated: 2018-01-12. Review status: criteria provided, single submitter. Criteria: ICSL Variant Classification Criteria 13 December 2019. Collection method: clinical testing. Allele origin: germline.

Illumina Laboratory Services, Illumina
Classification: Uncertain significance for Autosomal recessive nonsyndromic hearing loss 21. Last evaluated: 2018-01-12. Review status: criteria provided, single submitter. Criteria: ICSL Variant Classification Criteria 13 December 2019. Collection method: clinical testing. Allele origin: germline.

Breakthrough Genomics
Classification: Uncertain significance. Review status: criteria provided, single submitter. Criteria: ACMG Guidelines, 2015. Collection method: not provided. Allele origin: germline. Inheritance: Autosomal recessive inheritance. Affected: yes.